The following is an entry in ClinVar:

ClinVar aggregate classification (germline): Uncertain significance. Review status: criteria provided, multiple submitters, no conflicts (2 of 4 stars). 3 submissions from 3 submitters: Uncertain significance (3). Last evaluated 2024-11-17.

Conditions:
Inborn genetic diseases. Identifiers: MedGen C0950123, MeSH D030342.
Lymphatic malformation 6 (LMPHM6). Also called: GENERALIZED LYMPHATIC DYSPLASIA OF FOTIOU; Lymphedema, hereditary, III; PIEZO1-related generalized lymphatic dysplasia with non-immune hydrops fetalis. Identifiers: Orphanet 568062, MedGen C4225184, MONDO:0014797, OMIM 616843.

Allele frequency attached by ClinVar (database versions not stated): TOPMed below 0.00001; gnomAD 0.00001.
gnomAD v4.1: 36 of 1,550,526 alleles (0.0023%); highest among the groups gnomAD compares: Non-Finnish European, 0.0027%; no homozygotes.

Submissions (3):

Clinical Genomics Laboratory, Washington University in St. Louis
Classification: Uncertain significance for Lymphatic malformation 6. Last evaluated: 2024-11-17. Review status: criteria provided, single submitter. Criteria: ACMG Guidelines, 2015. Collection method: clinical testing. Allele origin: germline.
Comment: A PIEZO1 c.5992G>A (p.Asp1998Asn) variant was identified at a near heterozygous allelic fraction of 51.6%, a frequency which may be consistent with it being of germline origin. To our knowledge, it has not been reported in the medical literature. This variant has been reported in the ClinVar database (ClinVar ID: 2689706) as a variant of uncertain significance in a germline state by a single submitter. The PIEZO1 c.5992G>A (p.Asp1998Asn) variant is only observed on 36/1,550,526 alleles in the general population (gnomAD v.4.1.0). Computational predictors suggest that the variant does not impact PIEZO1 function. Due to limited information, and based on ACMG/AMP guidelines for variant interpretation (Richards S et al., PMID: 25741868), the clinical significance of PIEZO1 c.5992G>A (p.Asp1998Asn) variant is uncertain at this time.

Ambry Genetics
Classification: Uncertain significance for Inborn genetic diseases. Last evaluated: 2024-07-10. Review status: criteria provided, single submitter. Criteria: Ambry Variant Classification Scheme 2023. Collection method: clinical testing. Allele origin: germline.

Revvity Omics, Revvity
Classification: Uncertain significance. Last evaluated: 2023-05-16. Review status: criteria provided, single submitter. Criteria: ACMG Guidelines, 2015. Collection method: clinical testing. Allele origin: germline.

NM_001142864.4(PIEZO1):c.5992G>A (p.Asp1998Asn)

Gene: PIEZO1 (piezo type mechanosensitive ion channel component 1 (Er blood group); minus strand). Cytogenetic location: 16q24.3.
Variant type: single nucleotide variant.
Coding change: c.5992G>A on transcript NM_001142864.4 (MANE Select); coding-DNA position 5992, G replaced by A.
Protein change: p.Asp1998Asn; replaces aspartic acid 1998 with asparagine.
Molecular consequence: missense variant.
Genome position (GRCh38, 1-based): chr16:88,720,241, C>T on the plus strand (G>A on the coding strand, the complement: PIEZO1 is on the minus strand). VCF-style: chr16-88720241-C-T. GRCh37 (hg19) VCF-style: chr16-88786649-C-T.
Other names: c.4534G>A, p.Asp1512Asn (NM_014745.1); c.5992G>A (NM_001142864.2); short protein forms D1512N, D1998N.
Identifiers: ClinVar variation 2689706 (VCV002689706.4), dbSNP rs1490989340, ClinGen allele CA397086256.